The following is an entry in ClinVar:

NM_138927.4(SON):c.1007C>T (p.Ala336Val)

Gene: SON (SON DNA and RNA binding protein; plus strand). Cytogenetic location: 21q22.11.
Variant type: single nucleotide variant.
Coding change: c.1007C>T on transcript NM_138927.4 (MANE Select); coding-DNA position 1007, C replaced by T.
Protein change: p.Ala336Val; replaces alanine 336 with valine.
Molecular consequence: missense variant. On other transcripts: non-coding transcript variant (1), intron variant (1).
Genome position (GRCh38, 1-based): chr21:33,550,238, C>T. VCF-style: chr21-33550238-C-T. GRCh37 (hg19) VCF-style: chr21-34922544-C-T.
Other names: c.1007C>T, p.Ala336Val (NM_001291411.2, NM_032195.3); c.244+3859C>T (NM_001291412.3); short protein forms A336V.
Identifiers: ClinVar variation 714903 (VCV000714903.32), dbSNP rs149343017, ClinGen allele CA10008790.

ClinVar aggregate classification (germline): Benign/Likely benign. Review status: criteria provided, multiple submitters, no conflicts (2 of 4 stars). 2 submissions from 2 submitters: Benign (1); Likely benign (1). Last evaluated 2026-01-13.

Allele frequency attached by ClinVar (database versions not stated): gnomAD exomes 0.00022 and 0.00045; ExAC 0.00057; gnomAD 0.00149 and 0.00158; 1000 Genomes Project 0.00160; TOPMed 0.00163; 1000 Genomes Project 30x 0.00187; ESP Exome Variant Server 0.00200.
gnomAD v4.1: 555 of 1,614,246 alleles (0.034%); highest among the groups gnomAD compares: African/African-American, 0.54%; no homozygotes.

Submissions (2):

Labcorp Genetics (formerly Invitae), Labcorp
Classification: Benign. Last evaluated: 2026-01-13. Review status: criteria provided, single submitter. Criteria: Invitae Variant Classification Sherloc (09022015). Collection method: clinical testing. Allele origin: germline.

CeGaT Center for Human Genetics Tuebingen
Classification: Likely benign. Last evaluated: 2025-12-01. Review status: criteria provided, single submitter. Criteria: CeGaT Center For Human Genetics Tuebingen Variant Classification Criteria Version 2. Collection method: clinical testing. Allele origin: germline. Affected: yes. Observed: 4 variant alleles.
Comment: SON: BP4, BS1